The following is an entry in ClinVar:

NM_025114.4(CEP290):c.5129C>T (p.Ala1710Val)

Gene: CEP290 (centrosomal protein 290; minus strand). Cytogenetic location: 12q21.32.
Variant type: single nucleotide variant.
Coding change: c.5129C>T on transcript NM_025114.4 (MANE Select); coding-DNA position 5129, C replaced by T.
Protein change: p.Ala1710Val; replaces alanine 1710 with valine.
Molecular consequence: missense variant.
Genome position (GRCh38, 1-based): chr12:88,080,279, G>A on the plus strand (C>T on the coding strand, the complement: CEP290 is on the minus strand). VCF-style: chr12-88080279-G-A. GRCh37 (hg19) VCF-style: chr12-88474056-G-A.
Other names: c.5129C>T (NM_025114.3); short protein forms A1710V.
Identifiers: ClinVar variation 1129173 (VCV001129173.14), dbSNP rs754184488, ClinGen allele CA6711788.

ClinVar aggregate classification (germline): Conflicting classifications of pathogenicity. Review status: criteria provided, conflicting classifications (1 of 4 stars). 3 submissions from 3 submitters: Uncertain significance (2); Likely benign (1). Last evaluated 2026-04-06.

Conditions:
Meckel-Gruber syndrome. Also called: DYSENCEPHALIA SPLANCHNOCYSTICA; Dysencephalia splachnocystica; GRUBER SYNDROME. Identifiers: Orphanet 564, MedGen C0265215, MONDO:0018921.
Joubert syndrome. Also called: Familial aplasia of the vermis; JOUBERT-BOLTSHAUSER SYNDROME. Identifiers: Orphanet 475, MedGen C5979921, MONDO:0018772.
Nephronophthisis. Also called: Juvenile Nephronophthisis. Identifiers: Orphanet 655, MedGen C0687120, MONDO:0019005, HP:0000090.
Senior-Loken syndrome 6 (SLSN6). Identifiers: Orphanet 3156, MedGen C1857779, MONDO:0012433, OMIM 610189.
Meckel syndrome, type 4 (MKS4). Also called: MECKEL-GRUBER SYNDROME, TYPE 4. Identifiers: Orphanet 564, MedGen C1970161, MONDO:0012626, OMIM 611134.
Bardet-Biedl syndrome 14 (BBS14). Identifiers: Orphanet 110, MedGen C2673874, MONDO:0014442, OMIM 615991.
Joubert syndrome 5 (JBTS5). Identifiers: Orphanet 2318, MedGen C1857780, MONDO:0012432, OMIM 610188.
Leber congenital amaurosis 10 (LCA10). Identifiers: Orphanet 65, MedGen C1857821, MONDO:0012723, OMIM 611755.
CEP290-related disorder. Also called: CEP290-related condition; CEP290-related disorders. Identifiers: MedGen CN239314.

Allele frequency attached by ClinVar (database versions not stated): gnomAD 0.00001 and 0.00002; TOPMed 0.00002; gnomAD exomes 0.00011; ExAC 0.00013.
gnomAD v4.1: 34 of 1,613,292 alleles (0.0021%); highest among the groups gnomAD compares: Admixed American, 0.048%; 1 homozygote.

Submissions (3):

PreventionGenetics, part of Exact Sciences
Classification: Uncertain significance for CEP290-related condition. Last evaluated: 2026-04-06. Review status: criteria provided, single submitter. Criteria: ACMG Guidelines, 2015. Collection method: clinical testing. Allele origin: germline.
Comment: The CEP290 c.5129C>T variant is predicted to result in the amino acid substitution p.Ala1710Val. To our knowledge, this variant has not been reported in the literature. This variant is reported in 0.061% of alleles in individuals of Latino descent in gnomAD, including one homozygote, which may be too frequent to be a primary cause of disease. Although we suspect that this variant may be benign, at this time, the clinical significance of this variant is uncertain due to the absence of conclusive functional and genetic evidence.

Labcorp Genetics (formerly Invitae), Labcorp
Classification: Likely benign for Joubert syndrome; Meckel-Gruber syndrome; Nephronophthisis. Last evaluated: 2024-10-26. Review status: criteria provided, single submitter. Criteria: Invitae Variant Classification Sherloc (09022015). Collection method: clinical testing. Allele origin: germline.

Fulgent Genetics
Classification: Uncertain significance for Joubert syndrome 5; Senior-Loken syndrome 6; Meckel syndrome, type 4; Leber congenital amaurosis 10; Bardet-Biedl syndrome 14. Last evaluated: 2024-04-16. Review status: criteria provided, single submitter. Criteria: ACMG Guidelines, 2015. Collection method: clinical testing. Allele origin: germline.